The following is an entry in ClinVar:

ClinVar aggregate classification (germline): Uncertain significance (1 of 4 stars; one submission).

Conditions:
Cardiovascular phenotype. Identifiers: MedGen CN230736.

gnomAD v4.1: 1 of 1,596,270 alleles (0.000063%); highest among the groups gnomAD compares: African/African-American, 0.0013%; no homozygotes.

Submission:

Ambry Genetics
Classification: Uncertain significance for Cardiovascular phenotype. Last evaluated: 2026-07-24. Review status: criteria provided, single submitter. Criteria: Ambry Variant Classification Scheme 2023. Collection method: clinical testing. Allele origin: germline.
Comment: The p.A1087P variant (also known as c.3259G>C), located in coding exon 44 of the COL1A1 gene, results from a G to C substitution at nucleotide position 3259. The alanine at codon 1087 is replaced by proline, an amino acid with highly similar properties. This amino acid position is conserved. In addition, this alteration is predicted to be tolerated by in silico analysis. Based on the available evidence, the clinical significance of this variant remains unclear.

NM_000088.4(COL1A1):c.3259G>C (p.Ala1087Pro)

Gene: COL1A1 (collagen type I alpha 1 chain; minus strand). Cytogenetic location: 17q21.33.
Variant type: single nucleotide variant.
Coding change: c.3259G>C on transcript NM_000088.4 (MANE Select); coding-DNA position 3259, G replaced by C.
Protein change: p.Ala1087Pro; replaces alanine 1087 with proline.
Molecular consequence: missense variant.
Genome position (GRCh38, 1-based): chr17:50,188,098, C>G on the plus strand (G>C on the coding strand, the complement: COL1A1 is on the minus strand). VCF-style: chr17-50188098-C-G. GRCh37 (hg19) VCF-style: chr17-48265459-C-G.
Other names: short protein forms A1087P.
Identifiers: ClinVar variation 5034700 (VCV005034700.1).